The following is an entry in ClinVar:

ClinVar aggregate classification (germline): Likely pathogenic (1 of 4 stars; one submission).

Submission:

Labcorp Genetics (formerly Invitae), Labcorp
Classification: Likely pathogenic. Last evaluated: 2024-12-29. Review status: criteria provided, single submitter. Criteria: Invitae Variant Classification Sherloc (09022015). Collection method: clinical testing. Allele origin: germline.
Comment: This sequence change affects a donor splice site in intron 14 of the TCF3 gene. It is expected to disrupt RNA splicing. Variants that disrupt the donor or acceptor splice site typically lead to a loss of protein function (PMID: 16199547), and loss-of-function variants in TCF3 are known to be pathogenic (PMID: 24216514, 30063982, 37277074). This variant is not present in population databases (gnomAD no frequency). This variant has not been reported in the literature in individuals affected with TCF3-related conditions. Algorithms developed to predict the effect of sequence changes on RNA splicing suggest that this variant may disrupt the consensus splice site. In summary, the currently available evidence indicates that the variant is pathogenic, but additional data are needed to prove that conclusively. Therefore, this variant has been classified as Likely Pathogenic.

Literature cited by the submitters: PubMed 16199547; PubMed 24216514; PubMed 30063982; PubMed 37277074.

NM_003200.5(TCF3):c.1167+1G>A

Gene: TCF3 (transcription factor 3; minus strand). Cytogenetic location: 19p13.3.
Variant type: single nucleotide variant.
Coding change: c.1167+1G>A on transcript NM_003200.5 (MANE Select); the canonical splice donor site of the intron after coding-DNA position 1167, G replaced by A.
Molecular consequence: splice donor variant.
Genome position (GRCh38, 1-based): chr19:1,619,779, C>T on the plus strand (G>A on the coding strand, the complement: TCF3 is on the minus strand). VCF-style: chr19-1619779-C-T. GRCh37 (hg19) VCF-style: chr19-1619778-C-T.
Other names: c.1167+1G>A (NM_001351778.2, NM_001136139.4, NM_001351779.2).
Identifiers: ClinVar variation 3728233 (VCV003728233.2).